The following is an entry in ClinVar:

ClinVar aggregate classification (germline): Uncertain significance (1 of 4 stars; one submission).

Submission:

Labcorp Genetics (formerly Invitae), Labcorp
Classification: Uncertain significance. Last evaluated: 2025-03-03. Review status: criteria provided, single submitter. Criteria: Invitae Variant Classification Sherloc (09022015). Collection method: clinical testing. Allele origin: germline.
Comment: This sequence change replaces alanine, which is neutral and non-polar, with proline, which is neutral and non-polar, at codon 148 of the LIG1 protein (p.Ala148Pro). This variant is not present in population databases (gnomAD no frequency). This variant has not been reported in the literature in individuals affected with LIG1-related conditions. ClinVar contains an entry for this variant (Variation ID: 2086062). An algorithm developed to predict the effect of missense changes on protein structure and function outputs the following: PolyPhen-2: "Benign". The proline amino acid residue is found in multiple mammalian species, which suggests that this missense change does not adversely affect protein function. In summary, the available evidence is currently insufficient to determine the role of this variant in disease. Therefore, it has been classified as a Variant of Uncertain Significance.

NM_000234.3(LIG1):c.442G>C (p.Ala148Pro)

Gene: LIG1 (DNA ligase 1; minus strand). Cytogenetic location: 19q13.33.
Variant type: single nucleotide variant.
Coding change: c.442G>C on transcript NM_000234.3 (MANE Select); coding-DNA position 442, G replaced by C.
Protein change: p.Ala148Pro; replaces alanine 148 with proline.
Molecular consequence: missense variant. On other transcripts: non-coding transcript variant (6), intron variant (1).
Genome position (GRCh38, 1-based): chr19:48,153,896, C>G on the plus strand (G>C on the coding strand, the complement: LIG1 is on the minus strand). VCF-style: chr19-48153896-C-G. GRCh37 (hg19) VCF-style: chr19-48657153-C-G.
Other names: c.352G>C, p.Ala118Pro (NM_001289063.2, NM_001320971.2); c.442G>C, p.Ala148Pro (NM_001320970.2); c.370+3118G>C (NM_001289064.2); short protein forms A118P, A148P.
Identifiers: ClinVar variation 2086062 (VCV002086062.4), dbSNP rs752435755, ClinGen allele CA406657542.